The following is an entry in ClinVar:

NM_178170.3(NEK8):c.1439G>C (p.Arg480Thr)

Gene: NEK8 (NIMA related kinase 8; plus strand). Cytogenetic location: 17q11.2.
Variant type: single nucleotide variant.
Coding change: c.1439G>C on transcript NM_178170.3 (MANE Select); coding-DNA position 1439, G replaced by C.
Protein change: p.Arg480Thr; replaces arginine 480 with threonine.
Molecular consequence: missense variant.
Genome position (GRCh38, 1-based): chr17:28,740,484, G>C. VCF-style: chr17-28740484-G-C. GRCh37 (hg19) VCF-style: chr17-27067502-G-C.
Other names: short protein forms R480T.
Identifiers: ClinVar variation 2060652 (VCV002060652.4), dbSNP rs749189681, ClinGen allele CA8467449.

ClinVar aggregate classification (germline): Uncertain significance (1 of 4 stars; one submission).

Conditions:
Nephronophthisis 9 (NPHP9). Identifiers: Orphanet 655, MedGen C3151188, MONDO:0013444, OMIM 613824.

Allele frequency attached by ClinVar (database versions not stated): gnomAD exomes below 0.00001; ExAC 0.00002.

Submission:

Labcorp Genetics (formerly Invitae), Labcorp
Classification: Uncertain significance for Nephronophthisis 9. Last evaluated: 2022-06-29. Review status: criteria provided, single submitter. Criteria: Invitae Variant Classification Sherloc (09022015). Collection method: clinical testing. Allele origin: germline.
Comment: In summary, the available evidence is currently insufficient to determine the role of this variant in disease. Therefore, it has been classified as a Variant of Uncertain Significance. Algorithms developed to predict the effect of missense changes on protein structure and function (SIFT, PolyPhen-2, Align-GVGD) all suggest that this variant is likely to be tolerated. This variant has not been reported in the literature in individuals affected with NEK8-related conditions. This variant is present in population databases (rs749189681, gnomAD 0.0009%). This sequence change replaces arginine, which is basic and polar, with threonine, which is neutral and polar, at codon 480 of the NEK8 protein (p.Arg480Thr).